The following is an entry in ClinVar:

NM_000337.6(SGCD):c.833C>G (p.Ala278Gly)

Gene: SGCD (sarcoglycan delta; plus strand). Cytogenetic location: 5q33.3.
Variant type: single nucleotide variant.
Coding change: c.833C>G on transcript NM_000337.6 (MANE Select); coding-DNA position 833, C replaced by G.
Protein change: p.Ala278Gly; replaces alanine 278 with glycine.
Molecular consequence: missense variant.
Genome position (GRCh38, 1-based): chr5:156,759,350, C>G. VCF-style: chr5-156759350-C-G. GRCh37 (hg19) VCF-style: chr5-156186361-C-G.
Other names: c.830C>G, p.Ala277Gly (NM_001128209.2); short protein forms A277G, A278G.
Identifiers: ClinVar variation 2040589 (VCV002040589.3), dbSNP rs1476643412, ClinGen allele CA362009617.
Genomic context (GRCh38, chr5:156,759,350, plus strand): 5'-AGAAGGTCTTCGAGATCTGCGTCTGCGCCAATGGGAGATTATTCCTGTCTCAGGCAGGAG[C>G]TGGGTCCACTTGTCAGATAAACACAAGTGTCTGCCTCTGAAAGACTATCCATAGTGGACA-3'
Protein context (NP_000328.2, residues 268-288): NGRLFLSQAG[Ala278Gly]GSTCQINTSV

ClinVar aggregate classification (germline): Uncertain significance (1 of 4 stars; one submission).

Conditions:
Autosomal recessive limb-girdle muscular dystrophy type 2F (LGMDR6). Also called: Muscular dystrophy limb-girdle with delta-sarcoglyan deficiency; MUSCULAR DYSTROPHY, LIMB-GIRDLE, AUTOSOMAL RECESSIVE 6. Identifiers: Orphanet 219, MedGen C1832525, MONDO:0011028, OMIM 601287. Disease mechanism: Affects gamma-sarcoglycan and also disrupts the integrity of the entire sarcoglycan complex..

Allele frequency attached by ClinVar (database versions not stated): TOPMed below 0.00001.

Submission:

Labcorp Genetics (formerly Invitae), Labcorp
Classification: Uncertain significance for Autosomal recessive limb-girdle muscular dystrophy type 2F. Last evaluated: 2021-12-22. Review status: criteria provided, single submitter. Criteria: Invitae Variant Classification Sherloc (09022015). Collection method: clinical testing. Allele origin: germline.
Comment: This sequence change replaces alanine, which is neutral and non-polar, with glycine, which is neutral and non-polar, at codon 278 of the SGCD protein (p.Ala278Gly). This variant is not present in population databases (gnomAD no frequency). This variant has not been reported in the literature in individuals affected with SGCD-related conditions. Algorithms developed to predict the effect of missense changes on protein structure and function (SIFT, PolyPhen-2, Align-GVGD) all suggest that this variant is likely to be tolerated. Algorithms developed to predict the effect of sequence changes on RNA splicing suggest that this variant may create or strengthen a splice site. In summary, the available evidence is currently insufficient to determine the role of this variant in disease. Therefore, it has been classified as a Variant of Uncertain Significance.